The following is an entry in ClinVar:

ClinVar aggregate classification (germline): Pathogenic. Review status: reviewed by expert panel (3 of 4 stars). 2 submissions from 2 submitters: Pathogenic (1). 1 of the submissions does not count toward it. Last evaluated 2016-10-18.

Conditions:
Breast-ovarian cancer, familial, susceptibility to, 2 (BROVCA2). Also called: BRCA2 Hereditary Breast and Ovarian Cancer. Identifiers: Orphanet 145, MedGen C2675520, MONDO:0012933, OMIM 612555. Disease mechanism: loss of function.

Submissions (2):

Evidence-based Network for the Interpretation of Germline Mutant Alleles (ENIGMA)
Classification: Pathogenic for Breast-ovarian cancer, familial, susceptibility to, 2. Last evaluated: 2016-10-18. Review status: reviewed by expert panel. Criteria: ENIGMA BRCA1/2 Classification Criteria (2015). Collection method: curation. Allele origin: germline.
Comment: Variant allele predicted to encode a truncated non-functional protein.

Consortium of Investigators of Modifiers of BRCA1/2 (CIMBA), c/o University of Cambridge
Classification: Pathogenic for Breast-ovarian cancer, familial, susceptibility to, 2. Last evaluated: 2015-10-02. Review status: criteria provided, single submitter. Criteria: CIMBA Mutation Classification guidelines May 2016. Collection method: clinical testing. Allele origin: germline. Not counted in ClinVar's aggregate classification.

NM_000059.4(BRCA2):c.5985_5986insA (p.Ala1996fs)

Gene: BRCA2 (BRCA2 DNA repair associated; plus strand). Cytogenetic location: 13q13.1.
Variant type: Insertion.
Coding change: c.5985_5986insA on transcript NM_000059.4 (MANE Select); coding-DNA positions 5985 to 5986, A inserted.
Protein change: p.Ala1996fs; shifts the reading frame from alanine 1996.
Molecular consequence: frameshift variant.
Genome position: GRCh38 VCF-style: chr13-32340340-C-CA. GRCh37 (hg19) VCF-style: chr13-32914477-C-CA.
Other names: 6213insA-ter2002; short protein forms A1996fs.
Identifiers: ClinVar variation 266911 (VCV000266911.5), dbSNP rs886040624, ClinGen allele CA10589342.